The following is an entry in ClinVar:

NM_201384.3(PLEC):c.13566CTC[2] (p.Ser4525del)

Gene: PLEC (plectin; minus strand). Cytogenetic location: 8q24.3.
Variant type: Microsatellite.
Coding change: c.13566CTC[2] on transcript NM_201384.3 (MANE Select); two copies in a row of the 3-base unit CTC starting at c.13566; the reference has three copies in a row; one copy, 3 bases deleted.
Protein change: p.Ser4525del; deletes serine 4525.
Molecular consequence: inframe deletion.
Genome position (GRCh38, 1-based): chr8:143,916,247-143,916,249, GAG deleted on the plus strand (CTC on the coding strand, the reverse complement: PLEC is on the minus strand); deleting any 3 consecutive bases within chr8:143,916,247-143,916,255 gives the same sequence; the position shown is the placement nearest the transcript's 3' end. VCF-style (leftmost placement, unchanged base first): chr8-143916246-CGAG-C. GRCh37 (hg19) VCF-style: chr8-144990414-CGAG-C.
Other names: c.13647CTC[2], p.Ser4552del (NM_000445.5); c.13524CTC[2], p.Ser4511del (NM_201378.4); c.13500CTC[2], p.Ser4503del (NM_201379.3); c.13977CTC[2], p.Ser4662del (NM_201380.4); c.13470CTC[2], p.Ser4493del (NM_201381.3); c.13566CTC[2], p.Ser4525del (NM_201382.4); c.13578CTC[2], p.Ser4529del (NM_201383.3); short protein forms S4525del, S4493del, S4552del, S4503del, S4511del, S4529del, S4662del.
Identifiers: ClinVar variation 956859 (VCV000956859.9), dbSNP rs1224255215, ClinGen allele CA848819762.

ClinVar aggregate classification (germline): Uncertain significance (1 of 4 stars; one submission).

Conditions:
Epidermolysis bullosa simplex 5B, with muscular dystrophy (EBS5B). Also called: Epidermolysis bullosa simplex with muscular dystrophy; EPIDERMOLYSIS BULLOSA SIMPLEX AND LIMB-GIRDLE MUSCULAR DYSTROPHY. Identifiers: Orphanet 257, MedGen C2931072, MONDO:0009181, OMIM 226670.
Epidermolysis bullosa simplex, Ogna type (EBS5A). Also called: Pidermolysis bullosa simplex 5A, Ogna type; EPIDERMOLYSIS BULLOSA SIMPLEX 5A, OGNA TYPE. Identifiers: Orphanet 79401, MedGen C0432317, MONDO:0007555, OMIM 131950.
Autosomal recessive limb-girdle muscular dystrophy type 2Q (LGMDR17). Also called: MUSCULAR DYSTROPHY, LIMB-GIRDLE, AUTOSOMAL RECESSIVE 17. Identifiers: Orphanet 254361, MedGen C3150989, MONDO:0013390, OMIM 613723.
Epidermolysis bullosa simplex with nail dystrophy (EBS5D). Identifiers: MedGen C4225309, MONDO:0014661, OMIM 616487.
Epidermolysis bullosa simplex 5C, with pyloric atresia (EBS5C). Also called: Epidermolysis bullosa simplex with pyloric atresia; PLEC-Related Epidermolysis Bullosa with Pyloric Atresia; PLEC1-Related Epidermolysis Bullosa with Pyloric Atresia. Identifiers: Orphanet 158684, MedGen C2677349, MONDO:0012807, OMIM 612138.

Submission:

Labcorp Genetics (formerly Invitae), Labcorp
Classification: Uncertain significance for Autosomal recessive limb-girdle muscular dystrophy type 2Q; Epidermolysis bullosa simplex, Ogna type; Epidermolysis bullosa simplex with nail dystrophy; Epidermolysis bullosa simplex 5C, with pyloric atresia; Epidermolysis bullosa simplex 5B, with muscular dystrophy. Last evaluated: 2024-08-12. Review status: criteria provided, single submitter. Criteria: Invitae Variant Classification Sherloc (09022015). Collection method: clinical testing. Allele origin: germline.
Comment: This variant, c.13653_13655del, results in the deletion of 1 amino acid(s) of the PLEC protein (p.Ser4552del), but otherwise preserves the integrity of the reading frame. This variant is not present in population databases (gnomAD no frequency). This variant has not been reported in the literature in individuals affected with PLEC-related conditions. ClinVar contains an entry for this variant (Variation ID: 956859). Experimental studies and prediction algorithms are not available or were not evaluated, and the functional significance of this variant is currently unknown. In summary, the available evidence is currently insufficient to determine the role of this variant in disease. Therefore, it has been classified as a Variant of Uncertain Significance.